The following is an entry in ClinVar:

NM_001077350.3(NPRL3):c.815G>A (p.Gly272Asp)

Genes: HBA-LCR (alpha-globin locus control region; plus strand), NPRL3 (NPR3 like, GATOR1 complex subunit; minus strand). Cytogenetic location: 16p13.3.
Variant type: single nucleotide variant.
Coding change: c.815G>A on transcript NM_001077350.3 (MANE Select); coding-DNA position 815, G replaced by A.
Protein change: p.Gly272Asp; replaces glycine 272 with aspartic acid.
Molecular consequence: missense variant.
Genome position (GRCh38, 1-based): chr16:98,254, C>T on the plus strand (G>A on the coding strand, the complement: NPRL3 is on the minus strand). VCF-style: chr16-98254-C-T. GRCh37 (hg19) VCF-style: chr16-148252-C-T.
Other names: c.815G>A (NM_001077350.2); c.278G>A, p.Gly93Asp (NM_001039476.3); c.581G>A, p.Gly194Asp (NM_001243247.2); c.740G>A, p.Gly247Asp (NM_001243248.2, NM_001243249.2); short protein forms G194D, G272D, G247D, G93D.
Identifiers: ClinVar variation 3705617 (VCV003705617.4).

ClinVar aggregate classification (germline): Uncertain significance. Review status: criteria provided, multiple submitters, no conflicts (2 of 4 stars). 2 submissions from 2 submitters: Uncertain significance (2). Last evaluated 2025-07-28.

Conditions:
Epilepsy, familial focal, with variable foci 3 (FFEVF3). Identifiers: MedGen C4310708, MONDO:0014925, OMIM 617118.

Submissions (2):

GeneDx
Classification: Uncertain significance. Last evaluated: 2025-07-28. Review status: criteria provided, single submitter. Criteria: GeneDx Variant Classification Process June 2021. Collection method: clinical testing. Allele origin: germline.
Comment: In silico analysis suggests that this missense variant does not alter protein structure/function; Has not been previously published as pathogenic or benign to our knowledge

Labcorp Genetics (formerly Invitae), Labcorp
Classification: Uncertain significance for Epilepsy, familial focal, with variable foci 3. Last evaluated: 2025-01-19. Review status: criteria provided, single submitter. Criteria: Invitae Variant Classification Sherloc (09022015). Collection method: clinical testing. Allele origin: germline.
Comment: This sequence change replaces glycine, which is neutral and non-polar, with aspartic acid, which is acidic and polar, at codon 272 of the NPRL3 protein (p.Gly272Asp). This variant is present in population databases (rs375410124, gnomAD 0.01%). This variant has not been reported in the literature in individuals affected with NPRL3-related conditions. Invitae Evidence Modeling of protein sequence and biophysical properties (such as structural, functional, and spatial information, amino acid conservation, physicochemical variation, residue mobility, and thermodynamic stability) indicates that this missense variant is not expected to disrupt NPRL3 protein function with a negative predictive value of 80%. In summary, the available evidence is currently insufficient to determine the role of this variant in disease. Therefore, it has been classified as a Variant of Uncertain Significance.